The following is an entry in ClinVar:

ClinVar aggregate classification (germline): Uncertain significance (1 of 4 stars; one submission).

Conditions:
Hereditary spastic paraplegia 7 (SPG7). Also called: SPG7-related neurologic disorder; Autosomal recessive spastic paraplegia type 7; Spastic paraplegia 7; Hereditary spastic paraplegia Paraplegin type; SPASTIC PARAPLEGIA 7, AUTOSOMAL RECESSIVE, WITH OR WITHOUT CEREBELLAR ATAXIA. Identifiers: Orphanet 99013, MedGen C1846564, MONDO:0011803, OMIM 607259.

Allele frequency attached by ClinVar (database versions not stated): gnomAD exomes below 0.00001; gnomAD 0.00001.
gnomAD v4.1: 8 of 1,614,076 alleles (0.0005%); highest among the groups gnomAD compares: African/African-American, 0.0013%; no homozygotes.

Submission:

Labcorp Genetics (formerly Invitae), Labcorp
Classification: Uncertain significance for Hereditary spastic paraplegia 7. Last evaluated: 2022-01-29. Review status: criteria provided, single submitter. Criteria: Invitae Variant Classification Sherloc (09022015). Collection method: clinical testing. Allele origin: germline.
Comment: This variant has not been reported in the literature in individuals affected with SPG7-related conditions. In summary, the available evidence is currently insufficient to determine the role of this variant in disease. Therefore, it has been classified as a Variant of Uncertain Significance. Advanced modeling of protein sequence and biophysical properties (such as structural, functional, and spatial information, amino acid conservation, physicochemical variation, residue mobility, and thermodynamic stability) performed at Invitae indicates that this missense variant is expected to disrupt SPG7 protein function. This variant is present in population databases (no rsID available, gnomAD 0.01%). This sequence change replaces glutamic acid, which is acidic and polar, with lysine, which is basic and polar, at codon 316 of the SPG7 protein (p.Glu316Lys).

NM_003119.4(SPG7):c.946G>A (p.Glu316Lys)

Gene: SPG7 (SPG7 matrix AAA peptidase subunit, paraplegin; plus strand). Cytogenetic location: 16q24.3.
Variant type: single nucleotide variant.
Coding change: c.946G>A on transcript NM_003119.4 (MANE Select); coding-DNA position 946, G replaced by A.
Protein change: p.Glu316Lys; replaces glutamic acid 316 with lysine.
Molecular consequence: missense variant.
Genome position (GRCh38, 1-based): chr16:89,530,767, G>A. VCF-style: chr16-89530767-G-A. GRCh37 (hg19) VCF-style: chr16-89597175-G-A.
Other names: c.946G>A, p.Glu316Lys (NM_001363850.1, NM_199367.3); short protein forms E316K.
Identifiers: ClinVar variation 2042634 (VCV002042634.4), dbSNP rs1349833142, ClinGen allele CA397419163.
Genomic context (GRCh38, chr16:89,530,767, plus strand): 5'-ACCATTGTGGATGGGAAGATGGGGAAAGGAGTCAGCTTCAAAGACGTGGCAGGAATGCAC[G>A]AAGCCAAACTGGAAGTCCGCGAGTTTGTGGATTATCTGAAGGTGAAAGCAGCGTGGGCCG-3'
Protein context (NP_003110.1, residues 306-326): VSFKDVAGMH[Glu316Lys]AKLEVREFVD